The following is an entry in ClinVar:

ClinVar aggregate classification (germline): Likely benign. Review status: criteria provided, multiple submitters, no conflicts (2 of 4 stars). 4 submissions from 4 submitters: Likely benign (3). 1 of the submissions does not count toward it. Last evaluated 2026-01-27.

Conditions:
SCN10A-related disorder. Also called: SCN10A-related condition.
Brugada syndrome. Also called: Sudden unexplained nocturnal death syndrome; Sudden unexpected nocturnal death syndrome; Sudden Unexplained Death Syndrome; Sudden Unexplained Nocturnal Death Syndrome (SUNDS). Identifiers: Orphanet 130, MedGen C1142166, MONDO:0015263.
Cardiovascular phenotype. Identifiers: MedGen CN230736.

Allele frequency attached by ClinVar (database versions not stated): gnomAD exomes 0.00009; ExAC 0.00011; TOPMed 0.00023; ESP Exome Variant Server 0.00038; gnomAD 0.00038; 1000 Genomes Project 0.00060; 1000 Genomes Project 30x 0.00062.
gnomAD v4.1: 148 of 1,613,978 alleles (0.0092%); highest among the groups gnomAD compares: African/African-American, 0.13%; 1 homozygote.

Submissions (4):

Labcorp Genetics (formerly Invitae), Labcorp
Classification: Likely benign for Brugada syndrome. Last evaluated: 2026-01-27. Review status: criteria provided, single submitter. Criteria: Invitae Variant Classification Sherloc (09022015). Collection method: clinical testing. Allele origin: germline.

Ambry Genetics
Classification: Likely benign for Cardiovascular phenotype. Last evaluated: 2019-05-24. Review status: criteria provided, single submitter. Criteria: Ambry Variant Classification Scheme 2023. Collection method: clinical testing. Allele origin: germline.

GeneDx
Classification: Likely benign. Last evaluated: 2017-10-09. Review status: criteria provided, single submitter. Criteria: GeneDx Variant Classification (06012015). Collection method: clinical testing. Allele origin: germline. Affected: yes.
Comment: This variant is considered likely benign or benign based on one or more of the following criteria: it is a conservative change, it occurs at a poorly conserved position in the protein, it is predicted to be benign by multiple in silico algorithms, and/or has population frequency not consistent with disease.

PreventionGenetics, part of Exact Sciences
Classification: Likely benign for SCN10A-related condition. Last evaluated: 2019-12-06. Review status: no assertion criteria provided. Collection method: clinical testing. Allele origin: germline. Not counted in ClinVar's aggregate classification.
Comment: This variant is classified as likely benign based on ACMG/AMP sequence variant interpretation guidelines (Richards et al. 2015 PMID: 25741868, with internal and published modifications).

NM_006514.4(SCN10A):c.1266C>T (p.Leu422=)

Gene: SCN10A (sodium voltage-gated channel alpha subunit 10; minus strand). Cytogenetic location: 3p22.2.
Variant type: single nucleotide variant.
Coding change: c.1266C>T on transcript NM_006514.4 (MANE Select); coding-DNA position 1266, C replaced by T.
Protein change: p.Leu422=; no amino-acid change (leucine 422 retained).
Molecular consequence: synonymous variant.
Genome position (GRCh38, 1-based): chr3:38,756,698, G>A on the plus strand (C>T on the coding strand, the complement: SCN10A is on the minus strand). VCF-style: chr3-38756698-G-A. GRCh37 (hg19) VCF-style: chr3-38798189-G-A.
Other names: c.1266C>T (NM_006514.3); c.1266C>T, p.Leu422= (NM_001293306.2, NM_001293307.2).
Identifiers: ClinVar variation 512636 (VCV000512636.12), dbSNP rs143438557, ClinGen allele CA2320928.